The following is an entry in ClinVar:

ClinVar aggregate classification (germline): Uncertain significance (1 of 4 stars; one submission).

Conditions:
Renal cell carcinoma. Identifiers: Orphanet 217071, MedGen C0007134, MeSH D002292, MONDO:0005086, HP:0005584.

Submission:

Labcorp Genetics (formerly Invitae), Labcorp
Classification: Uncertain significance for Renal cell carcinoma. Last evaluated: 2023-02-11. Review status: criteria provided, single submitter. Criteria: Invitae Variant Classification Sherloc (09022015). Collection method: clinical testing. Allele origin: germline.
Comment: This variant is not present in population databases (gnomAD no frequency). In summary, the available evidence is currently insufficient to determine the role of this variant in disease. Therefore, it has been classified as a Variant of Uncertain Significance. Algorithms developed to predict the effect of missense changes on protein structure and function (SIFT, PolyPhen-2, Align-GVGD) all suggest that this variant is likely to be tolerated. This variant has not been reported in the literature in individuals affected with MET-related conditions. This sequence change replaces aspartic acid, which is acidic and polar, with asparagine, which is neutral and polar, at codon 882 of the MET protein (p.Asp882Asn).

NM_000245.4(MET):c.2590G>A (p.Asp864Asn)

Gene: MET (MET proto-oncogene, receptor tyrosine kinase; plus strand). Cytogenetic location: 7q31.2.
Variant type: single nucleotide variant.
Coding change: c.2590G>A on transcript NM_000245.4 (MANE Select); coding-DNA position 2590, G replaced by A.
Protein change: p.Asp864Asn; replaces aspartic acid 864 with asparagine.
Molecular consequence: missense variant.
Genome position (GRCh38, 1-based): chr7:116,769,651, G>A. VCF-style: chr7-116769651-G-A. GRCh37 (hg19) VCF-style: chr7-116409705-G-A.
Other names: c.2644G>A, p.Asp882Asn (NM_001127500.3); c.2590G>A, p.Asp864Asn (NM_001324401.3); c.1300G>A, p.Asp434Asn (NM_001324402.2); short protein forms D434N, D882N, D864N.
Identifiers: ClinVar variation 2793044 (VCV002793044.3), dbSNP rs1584953171, ClinGen allele CA368985291.